The following is an entry in ClinVar:

ClinVar aggregate classification (germline): Uncertain significance (1 of 4 stars; one submission).

Conditions:
DiGeorge syndrome. Also called: THIRD AND FOURTH PHARYNGEAL POUCH SYNDROME; Catch22. Identifiers: Orphanet 567, MedGen C0012236, MONDO:0008564, OMIM 188400.

Allele frequency attached by ClinVar (database versions not stated): gnomAD 0.00001; gnomAD exomes 0.00001 and below 0.00001; ExAC 0.00001.
gnomAD v4.1: 3 of 1,583,718 alleles (0.00019%); highest among the groups gnomAD compares: Admixed American, 0.0034%; no homozygotes.

Submission:

Labcorp Genetics (formerly Invitae), Labcorp
Classification: Uncertain significance for DiGeorge syndrome. Last evaluated: 2022-02-05. Review status: criteria provided, single submitter. Criteria: Invitae Variant Classification Sherloc (09022015). Collection method: clinical testing. Allele origin: germline.
Comment: In summary, the available evidence is currently insufficient to determine the role of this variant in disease. Therefore, it has been classified as a Variant of Uncertain Significance. Algorithms developed to predict the effect of missense changes on protein structure and function are either unavailable or do not agree on the potential impact of this missense change (SIFT: "Tolerated"; PolyPhen-2: "Possibly Damaging"; Align-GVGD: "Class C0"). This variant has not been reported in the literature in individuals affected with TBX1-related conditions. This variant is present in population databases (rs777213879, gnomAD 0.006%). This sequence change replaces aspartic acid, which is acidic and polar, with glutamic acid, which is acidic and polar, at codon 491 of the TBX1 protein (p.Asp491Glu).

NM_001379200.1(TBX1):c.1500C>G (p.Asp500Glu)

Gene: TBX1 (T-box transcription factor 1; plus strand). Cytogenetic location: 22q11.21.
Variant type: single nucleotide variant.
Coding change: c.1500C>G on transcript NM_001379200.1 (MANE Select); coding-DNA position 1500, C replaced by G.
Protein change: p.Asp500Glu; replaces aspartic acid 500 with glutamic acid.
Molecular consequence: missense variant. On other transcripts: intron variant (2).
Genome position (GRCh38, 1-based): chr22:19,766,852, C>G. VCF-style: chr22-19766852-C-G. GRCh37 (hg19) VCF-style: chr22-19754375-C-G.
Other names: c.1473C>G, p.Asp491Glu (NM_080647.1); c.1009+850C>G (NM_005992.1, NM_080646.2); short protein forms D500E, D491E.
Identifiers: ClinVar variation 1359322 (VCV001359322.8), dbSNP rs777213879, ClinGen allele CA10102786.